The following is an entry in ClinVar:

NM_006231.4(POLE):c.3497G>A (p.Trp1166Ter)

Gene: POLE (DNA polymerase epsilon, catalytic subunit; minus strand). Cytogenetic location: 12q24.33.
Variant type: single nucleotide variant.
Coding change: c.3497G>A on transcript NM_006231.4 (MANE Select); coding-DNA position 3497, G replaced by A.
Protein change: p.Trp1166Ter; replaces tryptophan 1166 with a stop codon.
Molecular consequence: nonsense.
Genome position (GRCh38, 1-based): chr12:132,657,221, C>T on the plus strand (G>A on the coding strand, the complement: POLE is on the minus strand). VCF-style: chr12-132657221-C-T. GRCh37 (hg19) VCF-style: chr12-133233807-C-T.
Other names: short protein forms W1166*.
Identifiers: ClinVar variation 546014 (VCV000546014.5), dbSNP rs1426673673, ClinGen allele CA387388646.

ClinVar aggregate classification (germline): Conflicting classifications of pathogenicity. Review status: criteria provided, conflicting classifications (1 of 4 stars). 2 submissions from 2 submitters: Pathogenic (1); Uncertain significance (1). Last evaluated 2023-12-21.

Submissions (2):

Labcorp Genetics (formerly Invitae), Labcorp
Classification: Pathogenic. Last evaluated: 2023-12-21. Review status: criteria provided, single submitter. Criteria: Invitae Variant Classification Sherloc (09022015). Collection method: clinical testing. Allele origin: germline.
Comment: This sequence change creates a premature translational stop signal (p.Trp1166*) in the POLE gene. It is expected to result in an absent or disrupted protein product. Loss-of-function variants in POLE are known to be pathogenic (PMID: 23230001, 25948378, 30503519). This variant is not present in population databases (gnomAD no frequency). This variant has not been reported in the literature in individuals affected with POLE-related conditions. ClinVar contains an entry for this variant (Variation ID: 546014). For these reasons, this variant has been classified as Pathogenic.

GeneDx
Classification: Uncertain significance. Last evaluated: 2018-04-12. Review status: criteria provided, single submitter. Criteria: GeneDx Variant Classification (06012015). Collection method: clinical testing. Allele origin: germline. Affected: yes.
Comment: This variant is denoted POLE c.3497G>A at the cDNA level and p.Trp1166Ter (W1166X) at the protein level. The substitution creates a nonsense variant, which changes a Tryptophan to a premature stop codon (TGG>TAG). However, while missense variants located within the exonuclease domain of the POLE gene have been recognized as an underlying cause of Polymerase Proofreading-Associated Polyposis (PPAP), an autosomal dominant condition associated with polyposis and an increased risk for colon cancer (Palles 2013, Spier 2015), there are no data to support that loss-of-function variants, such as this one, confer the same cancer risks. POLE W1166X has not, to our knowledge, been published in the literature as pathogenic or benign. Based on current evidence, we consider this variant to be of uncertain significance with respect to cancer. A recessive disease associated with POLE has been reported in the literature. In one large consanguineous family, 14 affected relatives with a syndrome called FILS (facial dysmorphism, immunodeficiency, livedo, and short stature) were all found to be homozygous for POLE c.4444+3A>G, a splice variant which results in a small proportion (~10%) of normal POLE transcript (Pachlopnik Schmid 2012). In addition, an unrelated individual with a suspected chromosome instability syndrome was also found to be homozygous for POLE c.4444+3A>G (Thiffault 2015). We cannot assess whether the variant identified in the current patient would cause the same recessive disease. Individuals and family members of reproductive age may choose to consider assessment of potential reproductive risks.

Literature cited by the submitters: PubMed 23230001 (cited by Labcorp Genetics (formerly Invitae), Labcorp); PubMed 25948378 (cited by Labcorp Genetics (formerly Invitae), Labcorp); PubMed 30503519 (cited by Labcorp Genetics (formerly Invitae), Labcorp).